The following is an entry in ClinVar:

ClinVar aggregate classification (germline): Uncertain significance (1 of 4 stars; one submission).

Conditions:
Inborn genetic diseases. Identifiers: MedGen C0950123, MeSH D030342.

Submission:

Ambry Genetics
Classification: Uncertain significance for Inborn genetic diseases. Last evaluated: 2024-08-17. Review status: criteria provided, single submitter. Criteria: Ambry Variant Classification Scheme 2023. Collection method: clinical testing. Allele origin: germline.
Comment: The p.N312S variant (also known as c.935A>G), located in coding exon 4 of the ATR gene, results from an A to G substitution at nucleotide position 935. The asparagine at codon 312 is replaced by serine, an amino acid with highly similar properties. This amino acid position is conserved. In addition, this alteration is predicted to be tolerated by in silico analysis. Based on the available evidence, the clinical significance of this variant remains unclear.

NM_001184.4(ATR):c.935A>G (p.Asn312Ser)

Gene: ATR (ATR serine/threonine kinase; minus strand). Cytogenetic location: 3q23.
Variant type: single nucleotide variant.
Coding change: c.935A>G on transcript NM_001184.4 (MANE Select); coding-DNA position 935, A replaced by G.
Protein change: p.Asn312Ser; replaces asparagine 312 with serine.
Molecular consequence: missense variant.
Genome position (GRCh38, 1-based): chr3:142,562,467, T>C on the plus strand (A>G on the coding strand, the complement: ATR is on the minus strand). VCF-style: chr3-142562467-T-C. GRCh37 (hg19) VCF-style: chr3-142281309-T-C.
Other names: c.935A>G, p.Asn312Ser (NM_001354579.2); short protein forms N312S.
Identifiers: ClinVar variation 3462535 (VCV003462535.1).